The following is an entry in ClinVar:

ClinVar aggregate classification (germline): Uncertain significance (1 of 4 stars; one submission).

Conditions:
Hereditary sensory and autonomic neuropathy type 7. Also called: HSAN VII; Neuropathy, hereditary sensory and autonomic, type VII. Identifiers: Orphanet 391397, MedGen C3809882, MONDO:0014244, OMIM 615548.
Familial episodic pain syndrome with predominantly lower limb involvement. Also called: Episodic pain syndrome, familial, 3. Identifiers: Orphanet 391384, Orphanet 391392, MedGen C3809899, MONDO:0014247, OMIM 615552.

Submission:

Labcorp Genetics (formerly Invitae), Labcorp
Classification: Uncertain significance for Familial episodic pain syndrome with predominantly lower limb involvement; Hereditary sensory and autonomic neuropathy type 7. Last evaluated: 2024-06-16. Review status: criteria provided, single submitter. Criteria: Invitae Variant Classification Sherloc (09022015). Collection method: clinical testing. Allele origin: germline.
Comment: This sequence change affects a donor splice site in intron 9 of the SCN11A gene. It is expected to disrupt RNA splicing. Variants that disrupt the donor or acceptor splice site typically lead to a loss of protein function (PMID: 16199547), however the current clinical and genetic evidence is not sufficient to establish whether loss-of-function variants in SCN11A cause disease. This variant is not present in population databases (gnomAD no frequency). This variant has not been reported in the literature in individuals affected with SCN11A-related conditions. Algorithms developed to predict the effect of sequence changes on RNA splicing suggest that this variant may disrupt the consensus splice site. In summary, the available evidence is currently insufficient to determine the role of this variant in disease. Therefore, it has been classified as a Variant of Uncertain Significance.

Literature cited by the submitters: PubMed 16199547.

NM_001349253.2(SCN11A):c.1299+2T>C

Gene: SCN11A (sodium voltage-gated channel alpha subunit 11; minus strand). Cytogenetic location: 3p22.2.
Variant type: single nucleotide variant.
Coding change: c.1299+2T>C on transcript NM_001349253.2 (MANE Select); the canonical splice donor site of the intron after coding-DNA position 1299, T replaced by C.
Molecular consequence: splice donor variant.
Genome position (GRCh38, 1-based): chr3:38,908,995, A>G on the plus strand (T>C on the coding strand, the complement: SCN11A is on the minus strand). VCF-style: chr3-38908995-A-G. GRCh37 (hg19) VCF-style: chr3-38950486-A-G.
Other names: c.1299+2T>C (NM_014139.3).
Identifiers: ClinVar variation 3750127 (VCV003750127.2).
Genomic context (GRCh38, chr3:38,908,995, plus strand): 5'-TGCCTCTGGGGACCCCTTCCCCTCCCCAGAGCAGATCCCACTGTCTGACCCCATGTCCCT[A>G]CCTCCTTTTCCTCCTTTAACAGCTGCTGGGCTTCCTGAAACATCTTTTCCTTGGCCTCTA-3'